The following is an entry in ClinVar:

ClinVar aggregate classification (germline): Uncertain significance (1 of 4 stars; one submission).

Submission:

Labcorp Genetics (formerly Invitae), Labcorp
Classification: Uncertain significance. Last evaluated: 2023-06-18. Review status: criteria provided, single submitter. Criteria: Invitae Variant Classification Sherloc (09022015). Collection method: clinical testing. Allele origin: germline.
Comment: This sequence change replaces aspartic acid, which is acidic and polar, with glutamic acid, which is acidic and polar, at codon 153 of the GNB1 protein (p.Asp153Glu). This variant is not present in population databases (gnomAD no frequency). This variant has not been reported in the literature in individuals affected with GNB1-related conditions. Advanced modeling of protein sequence and biophysical properties (such as structural, functional, and spatial information, amino acid conservation, physicochemical variation, residue mobility, and thermodynamic stability) performed at Invitae indicates that this missense variant is not expected to disrupt GNB1 protein function. In summary, the available evidence is currently insufficient to determine the role of this variant in disease. Therefore, it has been classified as a Variant of Uncertain Significance.

NM_002074.5(GNB1):c.459T>G (p.Asp153Glu)

Gene: GNB1 (G protein subunit beta 1; minus strand). Cytogenetic location: 1p36.33.
Variant type: single nucleotide variant.
Coding change: c.459T>G on transcript NM_002074.5 (MANE Select); coding-DNA position 459, T replaced by G.
Protein change: p.Asp153Glu; replaces aspartic acid 153 with glutamic acid.
Molecular consequence: missense variant.
Genome position (GRCh38, 1-based): chr1:1,793,283, A>C on the plus strand (T>G on the coding strand, the complement: GNB1 is on the minus strand). VCF-style: chr1-1793283-A-C. GRCh37 (hg19) VCF-style: chr1-1724722-A-C.
Other names: c.159T>G, p.Asp53Glu (NM_001282538.2); c.459T>G, p.Asp153Glu (NM_001282539.2); short protein forms D53E, D153E.
Identifiers: ClinVar variation 2718799 (VCV002718799.3), dbSNP rs2522381365, ClinGen allele CA337908481.
Genomic context (GRCh38, chr1:1,793,283, plus strand): 5'-CTGCCCCGGGTCAGGTACTTACCACGTGGTGTCTCCAGAGCTGGTGACGATCTGATTGTC[A>C]TCCAGGAATCGGCAGCAGGACAGGTAACCTGGCAAAGAACAGGCCTAAGTGATGAGCTGA-3'
Protein context (NP_002065.1, residues 143-163): TGYLSCCRFL[Asp153Glu]DNQIVTSSGD